The following is an entry in ClinVar:

NM_007294.4(BRCA1):c.5529A>T (p.Ala1843=)

Gene: BRCA1 (BRCA1 DNA repair associated; minus strand). Cytogenetic location: 17q21.31.
Variant type: single nucleotide variant.
Coding change: c.5529A>T on transcript NM_007294.4 (MANE Select); coding-DNA position 5529, A replaced by T.
Protein change: p.Ala1843=; no amino-acid change (alanine 1843 retained).
Molecular consequence: synonymous variant. On other transcripts: 3 prime UTR variant (17).
Genome position (GRCh38, 1-based): chr17:43,045,741, T>A on the plus strand (A>T on the coding strand, the complement: BRCA1 is on the minus strand). VCF-style: chr17-43045741-T-A. GRCh37 (hg19) VCF-style: chr17-41197758-T-A.
Other names: c.5403A>T, p.Ala1801= (NM_001407670.1, NM_001407671.1, NM_001407672.1 and 8 more transcripts); c.5400A>T, p.Ala1800= (NM_001407681.1, NM_001407682.1, NM_001407683.1 and 6 more transcripts); c.5397A>T, p.Ala1799= (NM_001407690.1, NM_001407691.1); c.5388A>T, p.Ala1796= (NM_001407692.1, NM_001407694.1, NM_001407695.1 and 12 more transcripts); c.5385A>T, p.Ala1795= (NM_001407732.1, NM_001407733.1, NM_001407734.1 and 18 more transcripts); c.5382A>T, p.Ala1794= (NM_001407838.1, NM_001407839.1, NM_001407841.1 and 12 more transcripts); c.*43A>T (NM_001407854.1, NM_001407858.1, NM_001407859.1 and 14 more transcripts); c.5328A>T, p.Ala1776= (NM_001407862.1); and 74 more.
Identifiers: ClinVar variation 867628 (VCV000867628.3), dbSNP rs1160863525, ClinGen allele CA500142893.
Genomic context (GRCh38, chr17:43,045,741, plus strand): 5'-GTAGTGGCTGTGGGGGATCTGGGGTATCAGGTAGGTGTCCAGCTCCTGGCACTGGTAGAG[T>A]GCTACACTGTCCAACACCCACTCTCGGGTCACCACAGGTGCCTCACACATCTGCCCAATT-3'
Protein context (NP_009225.1, residues 1833-1853): VTREWVLDSV[Ala1843=]LYQCQELDTY

Conditions:
Breast-ovarian cancer, familial, susceptibility to, 1 (BROVCA1). Also called: BRCA1 Hereditary Breast and Ovarian Cancer; OVARIAN CANCER, SUSCEPTIBILITY TO. Identifiers: Orphanet 145, MedGen C2676676, MONDO:0011450, OMIM 604370. Disease mechanism: loss of function.

Submission:

Brotman Baty Institute, University of Washington
No classification provided (evidence only). Condition: Breast-ovarian cancer, familial 1. Review status: no classification provided. Collection method: in vitro. Allele origin: not applicable. Functional consequence: functionally_normal.
ClinVar note: "not provided" was previously submitted as the classification for the variant. However, the classification appeared to be based only on an observation of functional data so it was converted to no classification on 2025-07-30.